The following is an entry in ClinVar:

ClinVar aggregate classification (germline): Uncertain significance (1 of 4 stars; one submission).

Conditions:
Familial adenomatous polyposis 1 (FAP1). Also called: FAMILIAL ADENOMATOUS POLYPOSIS 1, ATTENUATED; POLYPOSIS, ADENOMATOUS INTESTINAL. Identifiers: MedGen C2713442, MONDO:0021056, OMIM 175100. Disease mechanism: loss of function.

Submission:

Labcorp Genetics (formerly Invitae), Labcorp
Classification: Uncertain significance for Familial adenomatous polyposis 1. Last evaluated: 2023-09-14. Review status: criteria provided, single submitter. Criteria: Invitae Variant Classification Sherloc (09022015). Collection method: clinical testing. Allele origin: germline.
Comment: This variant is not present in population databases (gnomAD no frequency). This variant occurs in a non-coding region of the APC gene. It does not change the encoded amino acid sequence of the APC protein. This variant has not been reported in the literature in individuals affected with APC-related conditions. In summary, the available evidence is currently insufficient to determine the role of this variant in disease. Therefore, it has been classified as a Variant of Uncertain Significance.

NC_000005.10:g.112707411C>T

Gene: APC (APC regulator of Wnt signaling pathway; plus strand). Cytogenetic location: 5q22.2.
Variant type: single nucleotide variant.
Genome position: GRCh38 VCF-style: chr5-112707411-C-T. GRCh37 (hg19) VCF-style: chr5-112043108-C-T.
Identifiers: ClinVar variation 1501440 (VCV001501440.6), dbSNP rs1268337460, ClinGen allele CA2573138753.